The following is an entry in ClinVar:

NM_005159.5(ACTC1):c.809-58TG[33]

Genes: GJD2-DT (GJD2 divergent transcript; plus strand), ACTC1 (actin alpha cardiac muscle 1; minus strand). Cytogenetic location: 15q14.
Variant type: Microsatellite.
Coding change: c.809-58TG[33] on transcript NM_005159.5 (MANE Select); 33 copies in a row of the 2-base unit TG starting at c.809-58; the reference has 23 copies in a row; ten copies, 20 bases duplicated.
Molecular consequence: intron variant.
Genome position (GRCh38, 1-based): chr15:34,791,308-34,791,327, CACACACACACACACACACA duplicated on the plus strand (TGTGTGTGTGTGTGTGTGTG on the coding strand, the reverse complement: ACTC1 is on the minus strand); duplicating any 20 consecutive bases within chr15:34,791,308-34,791,353 gives the same sequence; the position shown is the placement nearest the transcript's 3' end. VCF-style (leftmost placement, unchanged base first): chr15-34791307-T-TCACACACACACACACACACA. GRCh37 (hg19) VCF-style: chr15-35083508-T-TCACACACACACACACACACA.
Identifiers: ClinVar variation 929114 (VCV000929114.1), dbSNP rs59431308, ClinGen allele CA1139663827.
Genomic context (GRCh38, chr15:34,791,307, plus strand): 5'-TTCATGATGCTATTGTAAGTTGTTTCATGGATGCCAGCAGATTCCATACCTGGGAACGAG[T>TCACACACACACACACACACA]CACACACACACACACACACACACACACACACACACACACACACACATCACAGTGCATTCA-3'

ClinVar aggregate classification (germline): Uncertain significance (1 of 4 stars; one submission).

Submission:

Women's Health and Genetics/Laboratory Corporation of America, LabCorp
Classification: Uncertain significance. Last evaluated: 2019-11-25. Review status: criteria provided, single submitter. Criteria: LabCorp Variant Classification Summary - May 2015. Collection method: clinical testing. Allele origin: germline.
Comment: Variant summary: ACTC1 c.809-32_809-13dup20 alters a nucleotide located close to a canonical splice site and therefore could affect mRNA splicing, leading to a significantly altered protein sequence. 5/5 computational tools predict no significant impact on normal splicing. However, these predictions have yet to be confirmed by functional studies. In addition, the duplication is located in a highly polymorphic repetitive TG region. The variant was absent in 106928 control chromosomes (gnomAD). The available data on variant occurrences in the general population are insufficient to allow any conclusion about variant significance. To our knowledge, no occurrence of c.809-32_809-13dup20 in individuals affected with Cardiomyopathy and no experimental evidence demonstrating this variant's impact on protein function have been reported. No clinical diagnostic laboratories have submitted clinical-significance assessments for this variant to ClinVar after 2014. Based on the evidence outlined above, the variant was classified as VUS-possibly benign.